The following is an entry in ClinVar:

NM_000391.4(TPP1):c.1671G>A (p.Leu557=)

Gene: TPP1 (tripeptidyl peptidase 1; minus strand). Cytogenetic location: 11p15.4.
Variant type: single nucleotide variant.
Coding change: c.1671G>A on transcript NM_000391.4 (MANE Select); coding-DNA position 1671, G replaced by A.
Protein change: p.Leu557=; no amino-acid change (leucine 557 retained).
Molecular consequence: synonymous variant.
Genome position (GRCh38, 1-based): chr11:6,614,567, C>T on the plus strand (G>A on the coding strand, the complement: TPP1 is on the minus strand). VCF-style: chr11-6614567-C-T. GRCh37 (hg19) VCF-style: chr11-6635798-C-T.
Other names: c.1671G>A (NM_000391.3).
Identifiers: ClinVar variation 1150176 (VCV001150176.9), dbSNP rs777267276, ClinGen allele CA5858592.

ClinVar aggregate classification (germline): Conflicting classifications of pathogenicity. Review status: criteria provided, conflicting classifications (1 of 4 stars). 2 submissions from 2 submitters: Uncertain significance (1); Likely benign (1). Last evaluated 2025-03-13.

Allele frequency attached by ClinVar (database versions not stated): gnomAD exomes below 0.00001 and 0.00001; ExAC 0.00001; TOPMed 0.00001.
gnomAD v4.1: 6 of 1,614,092 alleles (0.00037%); highest among the groups gnomAD compares: African/African-American, 0.004%; no homozygotes.

Submissions (2):

Labcorp Genetics (formerly Invitae), Labcorp
Classification: Likely benign. Last evaluated: 2025-03-13. Review status: criteria provided, single submitter. Criteria: Invitae Variant Classification Sherloc (09022015). Collection method: clinical testing. Allele origin: germline.

GeneDx
Classification: Uncertain significance. Last evaluated: 2023-08-11. Review status: criteria provided, single submitter. Criteria: GeneDx Variant Classification Process June 2021. Collection method: clinical testing. Allele origin: germline. Affected: yes.
Comment: Not observed at significant frequency in large population cohorts (gnomAD); In silico analysis supports that this variant does not alter splicing; Has not been previously published as pathogenic or benign to our knowledge